The following is an entry in ClinVar:

NM_005476.7(GNE):c.1231G>C (p.Ala411Pro)

Gene: GNE (glucosamine (UDP-N-acetyl)-2-epimerase/N-acetylmannosamine kinase; minus strand). Cytogenetic location: 9p13.3.
Variant type: single nucleotide variant.
Coding change: c.1231G>C on transcript NM_005476.7 (MANE Select); coding-DNA position 1231, G replaced by C.
Protein change: p.Ala411Pro; replaces alanine 411 with proline.
Molecular consequence: missense variant.
Genome position (GRCh38, 1-based): chr9:36,227,298, C>G on the plus strand (G>C on the coding strand, the complement: GNE is on the minus strand). VCF-style: chr9-36227298-C-G. GRCh37 (hg19) VCF-style: chr9-36227295-C-G.
Other names: c.1324G>C, p.Ala442Pro (NM_001128227.3); c.1231G>C, p.Ala411Pro (NM_001190383.3); c.901G>C, p.Ala301Pro (NM_001190384.3); c.1054G>C, p.Ala352Pro (NM_001190388.2, NM_001374798.1); c.1078G>C, p.Ala360Pro (NM_001374797.1); short protein forms A352P, A301P, A360P, A411P, A442P.
Identifiers: ClinVar variation 2940657 (VCV002940657.3), dbSNP rs2489662357, ClinGen allele CA373428689.
Genomic context (GRCh38, chr9:36,227,298, plus strand): 5'-GTTATTTTACCTTCATGCTGACTATTGCAACTCGGAGGTTCGTCCCGCCAAGATCAACGG[C>G]CAAGGCACTTAGAGTTTCAAGAATATGGTCAATATCTTGAGAGATATTCTCCTTCACAGG-3'
Protein context (NP_005467.1, residues 401-421): DHILETLSAL[Ala411Pro]VDLGGTNLRV

ClinVar aggregate classification (germline): Uncertain significance (1 of 4 stars; one submission).

Conditions:
Sialuria. Also called: SIALURIA, FRENCH TYPE; Sialic Acid Storage Disease. Identifiers: Orphanet 3166, MedGen C0342853, MONDO:0010028, OMIM 269921.
GNE myopathy (NM). Also called: NONAKA DISTAL MYOPATHY; INCLUSION BODY MYOPATHY, HEREDITARY, AUTOSOMAL RECESSIVE; INCLUSION BODY MYOPATHY 2, AUTOSOMAL RECESSIVE; MYOPATHY, DISTAL, WITH OR WITHOUT RIMMED VACUOLES; IBM 2; Inclusion body myopathy autosomal recessive. Identifiers: Orphanet 602, MedGen C1853926, MONDO:0011603, OMIM 605820.

Submission:

Labcorp Genetics (formerly Invitae), Labcorp
Classification: Uncertain significance for Sialuria; GNE myopathy. Last evaluated: 2025-12-08. Review status: criteria provided, single submitter. Criteria: Invitae Variant Classification Sherloc (09022015). Collection method: clinical testing. Allele origin: germline.
Comment: This sequence change replaces alanine, which is neutral and non-polar, with proline, which is neutral and non-polar, at codon 442 of the GNE protein (p.Ala442Pro). This variant is not present in population databases (gnomAD no frequency). This variant has not been reported in the literature in individuals affected with GNE-related conditions. ClinVar contains an entry for this variant (Variation ID: 2940657). Invitae Evidence Modeling of protein sequence and biophysical properties (such as structural, functional, and spatial information, amino acid conservation, physicochemical variation, residue mobility, and thermodynamic stability) has been performed for this missense variant. However, the output from this modeling did not meet the statistical confidence thresholds required to predict the impact of this variant on GNE protein function. In summary, the available evidence is currently insufficient to determine the role of this variant in disease. Therefore, it has been classified as a Variant of Uncertain Significance.